The following is an entry in ClinVar:

ClinVar aggregate classification (germline): Uncertain significance (1 of 4 stars; one submission).

Allele frequency attached by ClinVar (database versions not stated): gnomAD exomes 0.00002.
gnomAD v4.1: 26 of 1,610,768 alleles (0.0016%); highest among the groups gnomAD compares: Non-Finnish European, 0.002%; no homozygotes.

Submission:

Labcorp Genetics (formerly Invitae), Labcorp
Classification: Uncertain significance. Last evaluated: 2023-04-27. Review status: criteria provided, single submitter. Criteria: Invitae Variant Classification Sherloc (09022015). Collection method: clinical testing. Allele origin: germline.
Comment: This variant is present in population databases (no rsID available, gnomAD 0.003%). In summary, the available evidence is currently insufficient to determine the role of this variant in disease. Therefore, it has been classified as a Variant of Uncertain Significance. Advanced modeling of protein sequence and biophysical properties (such as structural, functional, and spatial information, amino acid conservation, physicochemical variation, residue mobility, and thermodynamic stability) has been performed at Invitae for this missense variant, however the output from this modeling did not meet the statistical confidence thresholds required to predict the impact of this variant on SI protein function. This variant has not been reported in the literature in individuals affected with SI-related conditions. This sequence change replaces valine, which is neutral and non-polar, with alanine, which is neutral and non-polar, at codon 1020 of the SI protein (p.Val1020Ala).

NM_001041.4(SI):c.3059T>C (p.Val1020Ala)

Gene: SI (sucrase-isomaltase; minus strand). Cytogenetic location: 3q26.1.
Variant type: single nucleotide variant.
Coding change: c.3059T>C on transcript NM_001041.4 (MANE Select); coding-DNA position 3059, T replaced by C.
Protein change: p.Val1020Ala; replaces valine 1020 with alanine.
Molecular consequence: missense variant.
Genome position (GRCh38, 1-based): chr3:165,023,610, A>G on the plus strand (T>C on the coding strand, the complement: SI is on the minus strand). VCF-style: chr3-165023610-A-G. GRCh37 (hg19) VCF-style: chr3-164741398-A-G.
Other names: short protein forms V1020A.
Identifiers: ClinVar variation 2800001 (VCV002800001.1), dbSNP rs1226746773, ClinGen allele CA355041822.